The following is an entry in ClinVar:

NM_032043.3(BRIP1):c.2710G>A (p.Asp904Asn)

Gene: BRIP1 (BRCA1 interacting DNA helicase 1; minus strand). Cytogenetic location: 17q23.2.
Variant type: single nucleotide variant.
Coding change: c.2710G>A on transcript NM_032043.3 (MANE Select); coding-DNA position 2710, G replaced by A.
Protein change: p.Asp904Asn; replaces aspartic acid 904 with asparagine.
Molecular consequence: missense variant.
Genome position (GRCh38, 1-based): chr17:61,686,031, C>T on the plus strand (G>A on the coding strand, the complement: BRIP1 is on the minus strand). VCF-style: chr17-61686031-C-T. GRCh37 (hg19) VCF-style: chr17-59763392-C-T.
Other names: short protein forms D904N.
Identifiers: ClinVar variation 530343 (VCV000530343.16), dbSNP rs1555573413, ClinGen allele CA400481690.

ClinVar aggregate classification (germline): Uncertain significance. Review status: criteria provided, multiple submitters, no conflicts (2 of 4 stars). 5 submissions from 5 submitters: Uncertain significance (5). Last evaluated 2025-07-27.

Conditions:
Familial cancer of breast. Also called: BREAST CANCER, FAMILIAL; hereditary breast carcinoma; Hereditary breast cancer. Identifiers: Orphanet 227535, MedGen C0346153, MONDO:0016419, OMIM 114480. Disease mechanism: loss of function.
Fanconi anemia complementation group J. Also called: BRIP1-Related Fanconi Anemia. Identifiers: Orphanet 84, MedGen C1836860, MONDO:0012187, OMIM 609054.
Hereditary cancer-predisposing syndrome. Also called: Neoplastic Syndromes, Hereditary; Hereditary neoplastic syndrome; Tumor predisposition; Hereditary Cancer Syndrome. Identifiers: Orphanet 140162, MedGen C0027672, MeSH D009386, MONDO:0015356.
Breast and/or ovarian cancer. Identifiers: MedGen CN221562.

Allele frequency attached by ClinVar (database versions not stated): TOPMed below 0.00001.

Submissions (5):

Labcorp Genetics (formerly Invitae), Labcorp
Classification: Uncertain significance for Familial cancer of breast; Fanconi anemia complementation group J. Last evaluated: 2025-07-27. Review status: criteria provided, single submitter. Criteria: Invitae Variant Classification Sherloc (09022015). Collection method: clinical testing. Allele origin: germline.
Comment: This sequence change replaces aspartic acid, which is acidic and polar, with asparagine, which is neutral and polar, at codon 904 of the BRIP1 protein (p.Asp904Asn). This variant is not present in population databases (gnomAD no frequency). This variant has not been reported in the literature in individuals affected with BRIP1-related conditions. ClinVar contains an entry for this variant (Variation ID: 530343). Invitae Evidence Modeling of protein sequence and biophysical properties (such as structural, functional, and spatial information, amino acid conservation, physicochemical variation, residue mobility, and thermodynamic stability) indicates that this missense variant is not expected to disrupt BRIP1 protein function with a negative predictive value of 95%. In summary, the available evidence is currently insufficient to determine the role of this variant in disease. Therefore, it has been classified as a Variant of Uncertain Significance.

Ambry Genetics
Classification: Uncertain significance for Hereditary cancer-predisposing syndrome. Last evaluated: 2025-01-25. Review status: criteria provided, single submitter. Criteria: Ambry Variant Classification Scheme 2023. Collection method: clinical testing. Allele origin: germline.
Comment: The p.D904N variant (also known as c.2710G>A), located in coding exon 18 of the BRIP1 gene, results from a G to A substitution at nucleotide position 2710. The aspartic acid at codon 904 is replaced by asparagine, an amino acid with highly similar properties. This amino acid position is not well conserved in available vertebrate species. In addition, this alteration is predicted to be tolerated by in silico analysis. Since supporting evidence is limited at this time, the clinical significance of this alteration remains unclear.

GeneDx
Classification: Uncertain significance. Last evaluated: 2022-09-30. Review status: criteria provided, single submitter. Criteria: GeneDx Variant Classification Process June 2021. Collection method: clinical testing. Allele origin: germline. Affected: yes.
Comment: Not observed at significant frequency in large population cohorts (gnomAD); In silico analysis supports that this missense variant does not alter protein structure/function; Has not been previously published as pathogenic or benign to our knowledge; This variant is associated with the following publications: (PMID: 11301010)

MGZ Medical Genetics Center
Classification: Uncertain significance for Familial cancer of breast. Last evaluated: 2022-07-27. Review status: criteria provided, single submitter. Criteria: ACMG Guidelines, 2015. Collection method: clinical testing. Allele origin: germline. Affected: yes. Observed: 1 variant allele.
Comment: ACMG criteria applied: PM2_SUP, BP4

CHEO Genetics Diagnostic Laboratory, Children's Hospital of Eastern Ontario
Classification: Uncertain significance for Breast and/or ovarian cancer. Last evaluated: 2020-11-05. Review status: criteria provided, single submitter. Criteria: ACMG Guidelines, 2015. Collection method: clinical testing. Allele origin: germline.